The following is an entry in ClinVar:

NM_005198.5(CHKB):c.260T>C (p.Leu87Pro)

Genes: CHKB-CPT1B (CHKB-CPT1B readthrough (NMD candidate); minus strand), CHKB (choline kinase beta; minus strand). Cytogenetic location: 22q13.33.
Variant type: single nucleotide variant.
Coding change: c.260T>C on transcript NM_005198.5 (MANE Select); coding-DNA position 260, T replaced by C.
Protein change: p.Leu87Pro; replaces leucine 87 with proline.
Molecular consequence: missense variant. On other transcripts: non-coding transcript variant (1).
Genome position (GRCh38, 1-based): chr22:50,582,322, A>G on the plus strand (T>C on the coding strand, the complement: CHKB is on the minus strand). VCF-style: chr22-50582322-A-G. GRCh37 (hg19) VCF-style: chr22-51020751-A-G.
Other names: short protein forms L87P.
Identifiers: ClinVar variation 2229220 (VCV002229220.3), dbSNP rs1177999891, ClinGen allele CA412202543.

ClinVar aggregate classification (germline): Uncertain significance. Review status: criteria provided, single submitter (1 of 4 stars). 2 submissions from 2 submitters: Uncertain significance (1). 1 of the submissions does not count toward it. Last evaluated 2021-03-02.

Conditions:
Megaconial type congenital muscular dystrophy (MDCMC). Also called: MUSCULAR DYSTROPHY, CONGENITAL, WITH MITOCHONDRIAL STRUCTURAL ABNORMALITIES; CHKB-Related Muscular Dystrophy; CHKB-Related Muscle Diseases. Identifiers: Orphanet 280671, MedGen C1865233, MONDO:0011246, OMIM 602541.
Inborn genetic diseases. Identifiers: MedGen C0950123, MeSH D030342.

Allele frequency attached by ClinVar (database versions not stated): gnomAD 0.00001; gnomAD exomes 0.00001.
gnomAD v4.1: 20 of 1,579,992 alleles (0.0013%); highest among the groups gnomAD compares: Admixed American, 0.0018%; no homozygotes.

Submissions (2):

Ambry Genetics
Classification: Uncertain significance for Inborn genetic diseases. Last evaluated: 2021-03-02. Review status: criteria provided, single submitter. Criteria: Ambry Variant Classification Scheme 2023. Collection method: clinical testing. Allele origin: germline.
Comment: The c.260T>C (p.L87P) alteration is located in exon 2 (coding exon 2) of the CHKB gene. This alteration results from a T to C substitution at nucleotide position 260, causing the leucine (L) at amino acid position 87 to be replaced by a proline (P). The in silico prediction for the p.L87P alteration is inconclusive. Based on insufficient or conflicting evidence, the clinical significance of this alteration remains unclear.

Next Generation Genetic Polyclinic
Classification: Uncertain significance for Megaconial type congenital muscular dystrophy. Last evaluated: 2023-02-13. Review status: no assertion criteria provided. Collection method: clinical testing. Allele origin: germline. Inheritance: Autosomal recessive inheritance. Affected: yes. Not counted in ClinVar's aggregate classification.